The following is an entry in ClinVar:

ClinVar aggregate classification (germline): Uncertain significance (1 of 4 stars; one submission).

Submission:

Labcorp Genetics (formerly Invitae), Labcorp
Classification: Uncertain significance. Last evaluated: 2022-04-18. Review status: criteria provided, single submitter. Criteria: Invitae Variant Classification Sherloc (09022015). Collection method: clinical testing. Allele origin: germline.
Comment: In summary, the available evidence is currently insufficient to determine the role of this variant in disease. Therefore, it has been classified as a Variant of Uncertain Significance. Variants that disrupt the consensus splice site are a relatively common cause of aberrant splicing (PMID: 17576681, 9536098). Algorithms developed to predict the effect of sequence changes on RNA splicing suggest that this variant may disrupt the consensus splice site. This variant has not been reported in the literature in individuals affected with TNFRSF9-related conditions. This variant is not present in population databases (gnomAD no frequency). This sequence change falls in intron 3 of the TNFRSF9 gene. It does not directly change the encoded amino acid sequence of the TNFRSF9 protein. It affects a nucleotide within the consensus splice site.

Literature cited by the submitters: PubMed 17576681; PubMed 9536098.

NM_001561.6(TNFRSF9):c.101-3T>A

Gene: TNFRSF9 (TNF receptor superfamily member 9; minus strand). Cytogenetic location: 1p36.23.
Variant type: single nucleotide variant.
Coding change: c.101-3T>A on transcript NM_001561.6 (MANE Select); 3 bases into the intron before coding-DNA position 101, T replaced by A.
Molecular consequence: intron variant.
Genome position (GRCh38, 1-based): chr1:7,938,831, A>T on the plus strand (T>A on the coding strand, the complement: TNFRSF9 is on the minus strand). VCF-style: chr1-7938831-A-T. GRCh37 (hg19) VCF-style: chr1-7998891-A-T.
Identifiers: ClinVar variation 2127467 (VCV002127467.4), dbSNP rs2527272389, ClinGen allele CA2580062560.